The following is an entry in ClinVar:

ClinVar aggregate classification (germline): Uncertain significance. Review status: criteria provided, multiple submitters, no conflicts (2 of 4 stars). 2 submissions from 2 submitters: Uncertain significance (2). Last evaluated 2025-07-30.

Conditions:
Hereditary cancer-predisposing syndrome. Also called: Hereditary neoplastic syndrome; Neoplastic Syndromes, Hereditary; Tumor predisposition; Hereditary Cancer Syndrome. Identifiers: Orphanet 140162, MedGen C0027672, MeSH D009386, MONDO:0015356.
EGFR-related lung cancer (EGFR). Identifiers: MedGen CN130014.

Allele frequency attached by ClinVar (database versions not stated): gnomAD exomes below 0.00001; TOPMed below 0.00001; gnomAD 0.00001.
gnomAD v4.1: 3 of 1,614,114 alleles (0.00019%); highest among the groups gnomAD compares: African/African-American, 0.0013%; no homozygotes.

Submissions (2):

Labcorp Genetics (formerly Invitae), Labcorp
Classification: Uncertain significance for EGFR-related lung cancer. Last evaluated: 2025-07-30. Review status: criteria provided, single submitter. Criteria: Invitae Variant Classification Sherloc (09022015). Collection method: clinical testing. Allele origin: germline.
Comment: This sequence change replaces glycine, which is neutral and non-polar, with serine, which is neutral and polar, at codon 721 of the EGFR protein (p.Gly721Ser). This variant is not present in population databases (gnomAD no frequency). This variant has not been reported in the literature in individuals affected with EGFR-related conditions. ClinVar contains an entry for this variant (Variation ID: 1005378). Invitae Evidence Modeling of protein sequence and biophysical properties (such as structural, functional, and spatial information, amino acid conservation, physicochemical variation, residue mobility, and thermodynamic stability) indicates that this missense variant is expected to disrupt EGFR protein function with a positive predictive value of 80%. In summary, the available evidence is currently insufficient to determine the role of this variant in disease. Therefore, it has been classified as a Variant of Uncertain Significance.

Ambry Genetics
Classification: Uncertain significance for Hereditary cancer-predisposing syndrome. Last evaluated: 2025-01-30. Review status: criteria provided, single submitter. Criteria: Ambry Variant Classification Scheme 2023. Collection method: clinical testing. Allele origin: germline.
Comment: The p.G721S variant (also known as c.2161G>A), located in coding exon 18 of the EGFR gene, results from a G to A substitution at nucleotide position 2161. The glycine at codon 721 is replaced by serine, an amino acid with similar properties. This amino acid position is highly conserved in available vertebrate species. In addition, this alteration is predicted to be deleterious by in silico analysis. Based on the available evidence, the clinical significance of this variant remains unclear.

NM_005228.5(EGFR):c.2161G>A (p.Gly721Ser)

Gene: EGFR (epidermal growth factor receptor; plus strand). Cytogenetic location: 7p11.2.
Variant type: single nucleotide variant.
Coding change: c.2161G>A on transcript NM_005228.5 (MANE Select); coding-DNA position 2161, G replaced by A.
Protein change: p.Gly721Ser; replaces glycine 721 with serine.
Molecular consequence: missense variant.
Genome position (GRCh38, 1-based): chr7:55,174,020, G>A. VCF-style: chr7-55174020-G-A. GRCh37 (hg19) VCF-style: chr7-55241713-G-A.
Other names: c.2161G>A (NM_005228.3); c.2026G>A, p.Gly676Ser (NM_001346897.2, NM_001346899.2); c.2161G>A, p.Gly721Ser (NM_001346898.2); c.2002G>A, p.Gly668Ser (NM_001346900.2); c.1360G>A, p.Gly454Ser (NM_001346941.2); short protein forms G454S, G668S, G676S, G721S.
Identifiers: ClinVar variation 1005378 (VCV001005378.6), dbSNP rs1786479080, ClinGen allele CA367583764.